The following is an entry in ClinVar:

NM_013251.4(TAC3):c.322G>A (p.Val108Ile)

Gene: TAC3 (tachykinin precursor 3; minus strand). Cytogenetic location: 12q13.3.
Variant type: single nucleotide variant.
Coding change: c.322G>A on transcript NM_013251.4 (MANE Select); coding-DNA position 322, G replaced by A.
Protein change: p.Val108Ile; replaces valine 108 with isoleucine.
Molecular consequence: missense variant. On other transcripts: non-coding transcript variant (4).
Genome position (GRCh38, 1-based): chr12:57,012,423, C>T on the plus strand (G>A on the coding strand, the complement: TAC3 is on the minus strand). VCF-style: chr12-57012423-C-T. GRCh37 (hg19) VCF-style: chr12-57406207-C-T.
Other names: c.268G>A, p.Val90Ile (NM_001178054.2); short protein forms V108I, V90I.
Identifiers: ClinVar variation 2187473 (VCV002187473.4), dbSNP rs745977534, ClinGen allele CA237728807.

ClinVar aggregate classification (germline): Uncertain significance (1 of 4 stars; one submission).

Allele frequency attached by ClinVar (database versions not stated): gnomAD 0.00001; gnomAD exomes 0.00002.
gnomAD v4.1: 27 of 1,613,894 alleles (0.0017%); highest among the groups gnomAD compares: East Asian, 0.0045%; no homozygotes.

Submission:

Labcorp Genetics (formerly Invitae), Labcorp
Classification: Uncertain significance. Last evaluated: 2022-07-11. Review status: criteria provided, single submitter. Criteria: Invitae Variant Classification Sherloc (09022015). Collection method: clinical testing. Allele origin: germline.
Comment: This sequence change replaces valine, which is neutral and non-polar, with isoleucine, which is neutral and non-polar, at codon 108 of the TAC3 protein (p.Val108Ile). In summary, the available evidence is currently insufficient to determine the role of this variant in disease. Therefore, it has been classified as a Variant of Uncertain Significance. Algorithms developed to predict the effect of missense changes on protein structure and function output the following: SIFT: "Tolerated"; PolyPhen-2: "Benign"; Align-GVGD: "Class C0". The isoleucine amino acid residue is found in multiple mammalian species, which suggests that this missense change does not adversely affect protein function. This variant has not been reported in the literature in individuals affected with TAC3-related conditions. This variant is present in population databases (rs745977534, gnomAD 0.005%).